The following is an entry in ClinVar:

ClinVar aggregate classification (germline): Uncertain significance. Review status: criteria provided, multiple submitters, no conflicts (2 of 4 stars). 2 submissions from 2 submitters: Uncertain significance (2). Last evaluated 2026-08-06.

Conditions:
Snijders Blok-Campeau syndrome. Also called: INTELLECTUAL DEVELOPMENTAL DISORDER WITH MACROCEPHALY, SPEECH DELAY, AND DYSMORPHIC FACIES. Identifiers: Orphanet 599082, MedGen C4748701, MONDO:0032600, OMIM 618205.

Submissions (2):

OLLIN Analises Genomicas, OLLIN
Classification: Uncertain significance for Snijders Blok-Campeau syndrome. Last evaluated: 2026-08-06. Review status: criteria provided, single submitter. Criteria: ACMG Guidelines 2015 PMID 25741868. Collection method: clinical testing. Allele origin: germline. Inheritance: Autosomal dominant inheritance.
Comment: This missense variant, located in exon 8 (of 40), is absent from gnomAD and has not been identified in the literature. However, it has been reported in ClinVar (accession VCV001690903.2). In silico analysis predicts that this variant has a deleterious effect. This gene is constrained for missense variation. According to the currently available evidence, this variant has been classified as uncertain significance (PM2_P, PP2, PP3).

Laboratorio de Genetica e Diagnostico Molecular, Hospital Israelita Albert Einstein
Classification: Uncertain significance. Last evaluated: 2020-06-20. Review status: criteria provided, single submitter. Criteria: ACMG Guidelines, 2015. Collection method: clinical testing. Allele origin: germline. Affected: yes.
Comment: ACMG classification criteria: PM2, PP2

NM_001005273.3(CHD3):c.1249A>C (p.Lys417Gln)

Genes: CHD3 (chromodomain helicase DNA binding protein 3; plus strand), LOC126862484 (CDK7 strongly-dependent group 2 enhancer GRCh37_chr17:7797066-7798265; plus strand). Cytogenetic location: 17p13.1.
Variant type: single nucleotide variant.
Coding change: c.1249A>C on transcript NM_001005273.3 (MANE Select); coding-DNA position 1249, A replaced by C.
Protein change: p.Lys417Gln; replaces lysine 417 with glutamine.
Molecular consequence: missense variant.
Genome position (GRCh38, 1-based): chr17:7,894,588, A>C. VCF-style: chr17-7894588-A-C. GRCh37 (hg19) VCF-style: chr17-7797906-A-C.
Other names: c.1426A>C, p.Lys476Gln (NM_001005271.3); c.1249A>C, p.Lys417Gln (NM_005852.4); short protein forms K417Q, K476Q.
Identifiers: ClinVar variation 1690903 (VCV001690903.3), dbSNP rs1307830387, ClinGen allele CA397938866.
Genomic context (GRCh38, chr17:7,894,588, plus strand): 5'-TGCCCTCGTGCCTACCACCTCGTCTGCCTTGATCCTGAGCTTGACCGGGCTCCAGAGGGC[A>C]AATGGAGCTGCCCTCACTGTGTGAGTACCTAATGCCAGCATCTGATGGCCCTGAGGAACC-3'
Protein context (NP_001005273.1, residues 407-427): DPELDRAPEG[Lys417Gln]WSCPHCEKEG